The following is an entry in ClinVar:

NM_001035235.4(SRA1):c.184C>G (p.Pro62Ala)

Gene: SRA1 (steroid receptor RNA activator 1; minus strand). Cytogenetic location: 5q31.3.
Variant type: single nucleotide variant.
Coding change: c.184C>G on transcript NM_001035235.4 (MANE Select); coding-DNA position 184, C replaced by G.
Protein change: p.Pro62Ala; replaces proline 62 with alanine.
Molecular consequence: missense variant. On other transcripts: non-coding transcript variant (2), intron variant (1).
Genome position (GRCh38, 1-based): chr5:140,552,152, G>C on the plus strand (C>G on the coding strand, the complement: SRA1 is on the minus strand). VCF-style: chr5-140552152-G-C. GRCh37 (hg19) VCF-style: chr5-139931737-G-C.
Other names: c.307-983C>G (NM_001253764.2); short protein forms P62A.
Identifiers: ClinVar variation 2713839 (VCV002713839.3), dbSNP rs375519604, ClinGen allele CA3440644.

ClinVar aggregate classification (germline): Uncertain significance (1 of 4 stars; one submission).

Submission:

Labcorp Genetics (formerly Invitae), Labcorp
Classification: Uncertain significance. Last evaluated: 2024-01-29. Review status: criteria provided, single submitter. Criteria: Invitae Variant Classification Sherloc (09022015). Collection method: clinical testing. Allele origin: germline.
Comment: This sequence change replaces proline, which is neutral and non-polar, with alanine, which is neutral and non-polar, at codon 74 of the SRA1 protein (p.Pro74Ala). The frequency data for this variant in the population databases is considered unreliable, as metrics indicate poor data quality at this position in the gnomAD database. This variant has not been reported in the literature in individuals affected with SRA1-related conditions. An algorithm developed to predict the effect of missense changes on protein structure and function (PolyPhen-2) suggests that this variant is likely to be tolerated. In summary, the available evidence is currently insufficient to determine the role of this variant in disease. Therefore, it has been classified as a Variant of Uncertain Significance.